The following is an entry in ClinVar:

NM_138459.5(NUS1):c.39C>G (p.His13Gln)

Gene: NUS1 (NUS1 dehydrodolichyl diphosphate synthase subunit; plus strand). Cytogenetic location: 6q22.1.
Variant type: single nucleotide variant.
Coding change: c.39C>G on transcript NM_138459.5 (MANE Select); coding-DNA position 39, C replaced by G.
Protein change: p.His13Gln; replaces histidine 13 with glutamine.
Molecular consequence: missense variant.
Genome position (GRCh38, 1-based): chr6:117,675,709, C>G. VCF-style: chr6-117675709-C-G. GRCh37 (hg19) VCF-style: chr6-117996872-C-G.
Other names: short protein forms H13Q.
Identifiers: ClinVar variation 4729027 (VCV004729027.1).

ClinVar aggregate classification (germline): Uncertain significance (1 of 4 stars; one submission).

Conditions:
Congenital disorder of glycosylation, type Iaa. Also called: Congenital disorder of glycosylation, type 1aa. Identifiers: MedGen C4310727, MONDO:0014904, OMIM 617082.

Submission:

Labcorp Genetics (formerly Invitae), Labcorp
Classification: Uncertain significance for Congenital disorder of glycosylation, type Iaa. Last evaluated: 2025-10-13. Review status: criteria provided, single submitter. Criteria: Invitae Variant Classification Sherloc (09022015). Collection method: clinical testing. Allele origin: germline.
Comment: This sequence change replaces histidine, which is basic and polar, with glutamine, which is neutral and polar, at codon 13 of the NUS1 protein (p.His13Gln). This variant is not present in population databases (gnomAD no frequency). This variant has not been reported in the literature in individuals affected with NUS1-related conditions. An algorithm developed to predict the effect of missense changes on protein structure and function (PolyPhen-2) suggests that this variant is likely to be tolerated. In summary, the available evidence is currently insufficient to determine the role of this variant in disease. Therefore, it has been classified as a Variant of Uncertain Significance.